The following is an entry in ClinVar:

NM_000548.5(TSC2):c.4138_4195del (p.Gln1380fs)

Gene: TSC2 (TSC complex subunit 2; plus strand). Cytogenetic location: 16p13.3.
Variant type: Deletion.
Coding change: c.4138_4195del on transcript NM_000548.5 (MANE Select); coding-DNA positions 4138 to 4195, 58 bases deleted.
Protein change: p.Gln1380fs; shifts the reading frame from glutamine 1380.
Molecular consequence: frameshift variant. On other transcripts: non-coding transcript variant (5).
Genome position (GRCh38, 1-based): chr16:2,084,360-2,084,417, 58 bases deleted. GRCh37 (hg19): chr16:2,134,361-2,134,418.
Other names: c.4138_4195del58, p.Gln1380Glyfs (NM_000548.3); c.3937_3994del, p.Gln1313fs (NM_001077183.3); c.4069_4126del, p.Gln1357fs (NM_001114382.3); c.3829_3886del, p.Gln1277fs (NM_001318827.2); c.3793_3850del, p.Gln1265fs (NM_001318829.2); c.3406_3463del, p.Gln1136fs (NM_001318831.2); c.3970_4027del, p.Gln1324fs (NM_001318832.2); c.3940_3997del, p.Gln1314fs (NM_001363528.2); and 27 more; short protein forms Q1113fs, Q1114fs, Q1136fs, Q1156fs, Q1157fs, Q1160fs, Q1180fs, Q1264fs.
Identifiers: ClinVar variation 3382198 (VCV003382198.2).

ClinVar aggregate classification (germline): Pathogenic (1 of 4 stars; one submission).

Conditions:
Lymphangiomyomatosis (LAM). Also called: Lymphangioleiomyomatosis; Lymphangioleiomyomatosis, somatic. Identifiers: Orphanet 538, MedGen C0751674, MONDO:0011705, OMIM 606690.
Isolated focal cortical dysplasia type II (FCORD2). Also called: Focal cortical dysplasia type II; CORTICAL DYSPLASIA OF TAYLOR. Identifiers: Orphanet 268994, MedGen C1846385, MONDO:0011818, OMIM 607341, HP:0032051.
Tuberous sclerosis 2 (TSC2). Identifiers: Orphanet 805, MedGen C1860707, MONDO:0013199, OMIM 613254.

Submission:

Juno Genomics, Hangzhou Juno Genomics, Inc
Classification: Pathogenic for Lymphangiomyomatosis; Isolated focal cortical dysplasia type II; Tuberous sclerosis 2. Review status: criteria provided, single submitter. Criteria: ACMG Guidelines, 2015. Collection method: clinical testing. Allele origin: germline. Affected: yes.
Comment: Absent from controls (or at extremely low frequency if recessive) in Genome Aggregation Database, Exome Sequencing Project, 1000 Genomes Project, or Exome Aggregation Consortium.;Null variant in a gene where loss of function (LOF) is a known mechanism of disease.